The following is an entry in ClinVar:

ClinVar aggregate classification (germline): Uncertain significance (1 of 4 stars; one submission).

gnomAD v4.1: 13 of 1,607,788 alleles (0.00081%); highest among the groups gnomAD compares: Non-Finnish European, 0.0011%; no homozygotes.

Submission:

CeGaT Center for Human Genetics Tuebingen
Classification: Uncertain significance. Last evaluated: 2024-09-01. Review status: criteria provided, single submitter. Criteria: CeGaT Center For Human Genetics Tuebingen Variant Classification Criteria Version 2. Collection method: clinical testing. Allele origin: germline. Affected: yes. Observed: 1 variant allele.
Comment: ZNF142: PM2

NM_001379659.1(ZNF142):c.4601G>T (p.Gly1534Val)

Gene: ZNF142 (zinc finger protein 142; minus strand). Cytogenetic location: 2q35.
Variant type: single nucleotide variant.
Coding change: c.4601G>T on transcript NM_001379659.1 (MANE Select); coding-DNA position 4601, G replaced by T.
Protein change: p.Gly1534Val; replaces glycine 1534 with valine.
Molecular consequence: missense variant.
Genome position (GRCh38, 1-based): chr2:218,642,515, C>A on the plus strand (G>T on the coding strand, the complement: ZNF142 is on the minus strand). VCF-style: chr2-218642515-C-A. GRCh37 (hg19) VCF-style: chr2-219507238-C-A.
Other names: c.4601G>T, p.Gly1534Val (NM_001366290.3, NM_001379660.1, NM_001379661.1); c.4001G>T, p.Gly1334Val (NM_001366291.3, NM_001379662.1, NM_001105537.5); c.3512G>T, p.Gly1171Val (NM_001366287.3, NM_001366288.3, NM_001366289.3); short protein forms G1171V, G1334V, G1534V.
Identifiers: ClinVar variation 3341942 (VCV003341942.16).
Genomic context (GRCh38, chr2:218,642,515, plus strand): 5'-AGCCGTGGGTGCTGTTTACGGGTGTGTCCTCGTAAGCTGGCAGGGCTGGGGCACAGCAAC[C>A]CACAGCGGGAACAGTGCAGGGGGCCCTCAGTGGTCTCTGCAGGAGAGCCAGGGGCAGGCT-3'
Protein context (NP_001366588.1, residues 1524-1544): TEGPLHCSRC[Gly1534Val]LLCPSPASLR